The following is an entry in ClinVar:

NM_004036.5(ADCY3):c.1662+9A>G

Gene: ADCY3 (adenylate cyclase 3; minus strand). Cytogenetic location: 2p23.3.
Variant type: single nucleotide variant.
Coding change: c.1662+9A>G on transcript NM_004036.5 (MANE Select); 9 bases into the intron after coding-DNA position 1662, A replaced by G.
Molecular consequence: intron variant.
Genome position (GRCh38, 1-based): chr2:24,836,908, T>C on the plus strand (A>G on the coding strand, the complement: ADCY3 is on the minus strand). VCF-style: chr2-24836908-T-C. GRCh37 (hg19) VCF-style: chr2-25059777-T-C.
Other names: c.1662+9A>G (NM_001377130.1, NM_001377129.1, NM_001320613.2 and 1 more transcripts); c.1728+9A>G (NM_001377128.1); c.939+9A>G (NM_001377131.1).
Identifiers: ClinVar variation 3046500 (VCV003046500.2), dbSNP rs1328195372, ClinGen allele CA531358392.

ClinVar aggregate classification (germline): Likely benign (0 of 4 stars; one submission).

Conditions:
ADCY3-related disorder. Also called: ADCY3-related condition.

Allele frequency attached by ClinVar (database versions not stated): TOPMed below 0.00001.
gnomAD v4.1: 2 of 1,609,796 alleles (0.00012%); highest among the groups gnomAD compares: Admixed American, 0.0017%; no homozygotes.

Submission:

PreventionGenetics, part of Exact Sciences
Classification: Likely benign for ADCY3-related condition. Last evaluated: 2020-03-17. Review status: no assertion criteria provided. Collection method: clinical testing. Allele origin: germline.
Comment: This variant is classified as likely benign based on ACMG/AMP sequence variant interpretation guidelines (Richards et al. 2015 PMID: 25741868, with internal and published modifications).